The following is an entry in ClinVar:

ClinVar aggregate classification (germline): Likely benign. Review status: criteria provided, multiple submitters, no conflicts (2 of 4 stars). 2 submissions from 2 submitters: Likely benign (2). Last evaluated 2024-10-10.

Conditions:
Norman-Roberts syndrome (LIS2). Also called: Lissencephaly 2 (Norman-Roberts type). Identifiers: Orphanet 89844, MedGen C0796089, MONDO:0009760, OMIM 257320.
Familial temporal lobe epilepsy 7. Identifiers: Orphanet 101046, MedGen C4225327, MONDO:0014639, OMIM 616436.

Allele frequency attached by ClinVar (database versions not stated): TOPMed 0.00005; gnomAD exomes 0.00006; ExAC 0.00007; gnomAD 0.00019.
gnomAD v4.1: 106 of 1,589,360 alleles (0.0067%); highest among the groups gnomAD compares: African/African-American, 0.013%; no homozygotes.

Submissions (2):

Labcorp Genetics (formerly Invitae), Labcorp
Classification: Likely benign for Familial temporal lobe epilepsy 7; Norman-Roberts syndrome. Last evaluated: 2024-10-10. Review status: criteria provided, single submitter. Criteria: Invitae Variant Classification Sherloc (09022015). Collection method: clinical testing. Allele origin: germline.

GeneDx
Classification: Likely benign. Last evaluated: 2016-06-09. Review status: criteria provided, single submitter. Criteria: GeneDx Variant Classification (06012015). Collection method: clinical testing. Allele origin: germline. Affected: yes.
Comment: This variant is considered likely benign or benign based on one or more of the following criteria: it is a conservative change, it occurs at a poorly conserved position in the protein, it is predicted to be benign by multiple in silico algorithms, and/or has population frequency not consistent with disease.

NM_005045.4(RELN):c.6302+20C>T

Gene: RELN (reelin; minus strand). Cytogenetic location: 7q22.1.
Variant type: single nucleotide variant.
Coding change: c.6302+20C>T on transcript NM_005045.4 (MANE Select); 20 bases into the intron after coding-DNA position 6302, C replaced by T.
Molecular consequence: intron variant.
Genome position (GRCh38, 1-based): chr7:103,551,047, G>A on the plus strand (C>T on the coding strand, the complement: RELN is on the minus strand). VCF-style: chr7-103551047-G-A. GRCh37 (hg19) VCF-style: chr7-103191494-G-A.
Other names: c.6302+20C>T (NM_173054.3).
Identifiers: ClinVar variation 386760 (VCV000386760.8), dbSNP rs775229404, ClinGen allele CA4420987.